The following is an entry in ClinVar:

NM_003235.5(TG):c.1958G>A (p.Gly653Asp)

Gene: TG (thyroglobulin; plus strand). Cytogenetic location: 8q24.22.
Variant type: single nucleotide variant.
Coding change: c.1958G>A on transcript NM_003235.5 (MANE Select); coding-DNA position 1958, G replaced by A.
Protein change: p.Gly653Asp; replaces glycine 653 with aspartic acid.
Molecular consequence: missense variant.
Genome position (GRCh38, 1-based): chr8:132,887,330, G>A. VCF-style: chr8-132887330-G-A. GRCh37 (hg19) VCF-style: chr8-133899575-G-A.
Other names: short protein forms G653D.
Identifiers: ClinVar variation 912042 (VCV000912042.48), dbSNP rs2069548, ClinGen allele CA4883276.

ClinVar aggregate classification (germline): Conflicting classifications of pathogenicity. Review status: criteria provided, conflicting classifications (1 of 4 stars). 6 submissions from 6 submitters: Uncertain significance (2); Benign (2); Likely benign (2). Last evaluated 2026-05-11.

Conditions:
Iodotyrosyl coupling defect (TDH3). Also called: HYPOTHYROIDISM, CONGENITAL, DUE TO DYSHORMONOGENESIS, 3; THYROID HORMONOGENESIS, GENETIC DEFECT IN, 3. Identifiers: Orphanet 95716, MedGen C0342194, MONDO:0010135, OMIM 274700.

Allele frequency attached by ClinVar (database versions not stated): 1000 Genomes Project 0.00359; 1000 Genomes Project 30x 0.00453; ESP Exome Variant Server 0.01030; TOPMed 0.01054; gnomAD 0.01169 and 0.01198; ExAC 0.01372; gnomAD exomes 0.01415 and 0.01448.
gnomAD v4.1: 23,107 of 1,611,286 alleles (1.4%); highest among the groups gnomAD compares: Middle Eastern, 2.1%; 241 homozygotes.

Submissions (6):

Women's Health and Genetics/Laboratory Corporation of America, LabCorp
Classification: Likely benign. Last evaluated: 2026-05-11. Review status: criteria provided, single submitter. Criteria: LabCorp Variant Classification Summary - May 2015. Collection method: clinical testing. Allele origin: germline.

CeGaT Center for Human Genetics Tuebingen
Classification: Benign. Last evaluated: 2026-05-01. Review status: criteria provided, single submitter. Criteria: CeGaT Center For Human Genetics Tuebingen Variant Classification Criteria Version 2. Collection method: clinical testing. Allele origin: germline. Affected: yes. Observed: 8 variant alleles.
Comment: TG: BP4, BS1, BS2

Labcorp Genetics (formerly Invitae), Labcorp
Classification: Benign. Last evaluated: 2026-02-02. Review status: criteria provided, single submitter. Criteria: Invitae Variant Classification Sherloc (09022015). Collection method: clinical testing. Allele origin: germline.

Blueprint Genetics
Classification: Likely benign. Last evaluated: 2024-11-27. Review status: criteria provided, single submitter. Criteria: ACMG Guidelines, 2015. Collection method: clinical testing. Allele origin: germline.

Illumina Laboratory Services, Illumina
Classification: Uncertain significance for Iodotyrosyl coupling defect. Last evaluated: 2018-01-12. Review status: criteria provided, single submitter. Criteria: ICSL Variant Classification Criteria 13 December 2019. Collection method: clinical testing. Allele origin: germline.

Breakthrough Genomics
Classification: Uncertain significance. Review status: criteria provided, single submitter. Criteria: ACMG Guidelines, 2015. Collection method: not provided. Allele origin: germline. Inheritance: Autosomal recessive inheritance. Affected: yes.